The following is an entry in ClinVar:

NM_001384732.1(CPLANE1):c.9172C>A (p.Pro3058Thr)

Gene: CPLANE1 (ciliogenesis and planar polarity effector complex subunit 1; minus strand). Cytogenetic location: 5p13.2.
Variant type: single nucleotide variant.
Coding change: c.9172C>A on transcript NM_001384732.1 (MANE Select); coding-DNA position 9172, C replaced by A.
Protein change: p.Pro3058Thr; replaces proline 3058 with threonine.
Molecular consequence: missense variant.
Genome position (GRCh38, 1-based): chr5:37,121,630, G>T on the plus strand (C>A on the coding strand, the complement: CPLANE1 is on the minus strand). VCF-style: chr5-37121630-G-T. GRCh37 (hg19) VCF-style: chr5-37121732-G-T.
Other names: c.9010C>A, p.Pro3004Thr (NM_023073.4); short protein forms P3058T, P3004T.
Identifiers: ClinVar variation 1480975 (VCV001480975.6), dbSNP rs919902868, ClinGen allele CA359495044.

ClinVar aggregate classification (germline): Uncertain significance (1 of 4 stars; one submission).

Allele frequency attached by ClinVar (database versions not stated): gnomAD exomes below 0.00001.

Submission:

Labcorp Genetics (formerly Invitae), Labcorp
Classification: Uncertain significance. Last evaluated: 2022-02-08. Review status: criteria provided, single submitter. Criteria: Invitae Variant Classification Sherloc (09022015). Collection method: clinical testing. Allele origin: germline.
Comment: This sequence change replaces proline, which is neutral and non-polar, with threonine, which is neutral and polar, at codon 3004 of the CPLANE1 protein (p.Pro3004Thr). In summary, the available evidence is currently insufficient to determine the role of this variant in disease. Therefore, it has been classified as a Variant of Uncertain Significance. Advanced modeling of protein sequence and biophysical properties (such as structural, functional, and spatial information, amino acid conservation, physicochemical variation, residue mobility, and thermodynamic stability) performed at Invitae indicates that this missense variant is not expected to disrupt CPLANE1 protein function. This variant has not been reported in the literature in individuals affected with CPLANE1-related conditions. This variant is present in population databases (no rsID available, gnomAD 0.003%).